The following is an entry in ClinVar:

NM_182931.3(KMT2E):c.1318A>G (p.Thr440Ala)

Gene: KMT2E (lysine methyltransferase 2E (inactive); plus strand). Cytogenetic location: 7q22.3.
Variant type: single nucleotide variant.
Coding change: c.1318A>G on transcript NM_182931.3 (MANE Select); coding-DNA position 1318, A replaced by G.
Protein change: p.Thr440Ala; replaces threonine 440 with alanine.
Molecular consequence: missense variant.
Genome position (GRCh38, 1-based): chr7:105,081,757, A>G. VCF-style: chr7-105081757-A-G. GRCh37 (hg19) VCF-style: chr7-104722204-A-G.
Other names: c.1318A>G, p.Thr440Ala (NM_001410908.1, NM_018682.4); short protein forms T440A.
Identifiers: ClinVar variation 1720366 (VCV001720366.5), dbSNP rs2536440112, ClinGen allele CA368781303.

ClinVar aggregate classification (germline): Uncertain significance (1 of 4 stars; one submission).

Submission:

Labcorp Genetics (formerly Invitae), Labcorp
Classification: Uncertain significance. Last evaluated: 2022-07-20. Review status: criteria provided, single submitter. Criteria: Invitae Variant Classification Sherloc (09022015). Collection method: clinical testing. Allele origin: germline.
Comment: In summary, the available evidence is currently insufficient to determine the role of this variant in disease. Therefore, it has been classified as a Variant of Uncertain Significance. Algorithms developed to predict the effect of missense changes on protein structure and function are either unavailable or do not agree on the potential impact of this missense change (SIFT: "Tolerated"; PolyPhen-2: "Possibly Damaging"; Align-GVGD: "Class C0"). This variant has not been reported in the literature in individuals affected with KMT2E-related conditions. This variant is not present in population databases (gnomAD no frequency). This sequence change replaces threonine, which is neutral and polar, with alanine, which is neutral and non-polar, at codon 440 of the KMT2E protein (p.Thr440Ala).